The following is an entry in ClinVar:

NM_000122.2(ERCC3):c.1204G>A (p.Gly402Ser)

Gene: ERCC3 (ERCC excision repair 3, TFIIH core complex helicase subunit; minus strand). Cytogenetic location: 2q14.3.
Variant type: single nucleotide variant.
Coding change: c.1204G>A on transcript NM_000122.2 (MANE Select); coding-DNA position 1204, G replaced by A.
Protein change: p.Gly402Ser; replaces glycine 402 with serine.
Molecular consequence: missense variant.
Genome position (GRCh38, 1-based): chr2:127,286,841, C>T on the plus strand (G>A on the coding strand, the complement: ERCC3 is on the minus strand). VCF-style: chr2-127286841-C-T. GRCh37 (hg19) VCF-style: chr2-128044417-C-T.
Other names: c.1012G>A, p.Gly338Ser (NM_001303416.2, NM_001303418.2); short protein forms G402S, G338S.
Identifiers: ClinVar variation 1961670 (VCV001961670.5), dbSNP rs1805162, ClinGen allele CA1858333.

ClinVar aggregate classification (germline): Uncertain significance (1 of 4 stars; one submission).

Allele frequency attached by ClinVar (database versions not stated): TOPMed 0.00002.
gnomAD v4.1: 70 of 1,614,034 alleles (0.0043%); highest among the groups gnomAD compares: Non-Finnish European, 0.0053%; 1 homozygote.

Submission:

Labcorp Genetics (formerly Invitae), Labcorp
Classification: Uncertain significance. Last evaluated: 2026-01-19. Review status: criteria provided, single submitter. Criteria: Invitae Variant Classification Sherloc (09022015). Collection method: clinical testing. Allele origin: germline.
Comment: This sequence change replaces glycine, which is neutral and non-polar, with serine, which is neutral and polar, at codon 402 of the ERCC3 protein (p.Gly402Ser). This variant is present in population databases (rs1805162, gnomAD 0.004%). This variant has not been reported in the literature in individuals affected with ERCC3-related conditions. ClinVar contains an entry for this variant (Variation ID: 1961670). Invitae Evidence Modeling of protein sequence and biophysical properties (such as structural, functional, and spatial information, amino acid conservation, physicochemical variation, residue mobility, and thermodynamic stability) indicates that this missense variant is not expected to disrupt ERCC3 protein function with a negative predictive value of 80%. In summary, the available evidence is currently insufficient to determine the role of this variant in disease. Therefore, it has been classified as a Variant of Uncertain Significance.